The following is an entry in ClinVar:

ClinVar aggregate classification (germline): Conflicting classifications of pathogenicity. Review status: criteria provided, conflicting classifications (1 of 4 stars). 8 submissions from 8 submitters: Pathogenic (2); Likely pathogenic (4); Uncertain significance (1). 1 of the submissions does not count toward it. Last evaluated 2024-03-04.

Conditions:
Inborn genetic diseases. Identifiers: MedGen C0950123, MeSH D030342.
Cornelia de Lange syndrome 1 (CDLS1). Also called: Brachmann de Lange syndrome; NIPBL-Related Cornelia de Lange Syndrome; TYPUS DEGENERATIVUS AMSTELODAMENSIS. Identifiers: Orphanet 199, MedGen C4551851, MONDO:0007387, OMIM 122470.

Submissions (8):

Ambry Genetics
Classification: Likely pathogenic for Inborn genetic diseases. Last evaluated: 2024-03-04. Review status: criteria provided, single submitter. Criteria: Ambry Variant Classification Scheme 2023. Collection method: clinical testing. Allele origin: germline.
Comment: The c.5366G>A (p.R1789Q) alteration is located in exon 28 (coding exon 27) of the NIPBL gene. This alteration results from a G to A substitution at nucleotide position 5366, causing the arginine (R) at amino acid position 1789 to be replaced by a glutamine (Q). This variant was not reported in population-based cohorts in the Genome Aggregation Database (gnomAD). This amino acid position is highly conserved in available vertebrate species. This alteration is predicted to be deleterious by in silico analysis. Based on the available evidence, this alteration is classified as likely pathogenic.

GeneDx
Classification: Pathogenic. Last evaluated: 2023-06-15. Review status: criteria provided, single submitter. Criteria: GeneDx Variant Classification Process June 2021. Collection method: clinical testing. Allele origin: germline. Affected: yes.
Comment: Not observed at significant frequency in large population cohorts (gnomAD); In silico analysis supports that this missense variant has a deleterious effect on protein structure/function; Has not been previously published as pathogenic or benign to our knowledge

3billion
Classification: Likely pathogenic for Cornelia de Lange syndrome 1. Last evaluated: 2022-05-22. Review status: criteria provided, single submitter. Criteria: ACMG Guidelines, 2015. Collection method: clinical testing. Allele origin: germline. Affected: yes. Observed: 1 heterozygote.
Comment: The variant is not observed in the gnomAD v2.1.1 dataset. Missense changes are a common disease-causing mechanism. In silico tool predictions suggest damaging effect of the variant on gene or gene product (REVEL: 0.83; 3Cnet: 0.97). Same nucleotide change resulting in same amino acid change has been previously reported to be associated with NIPBL related disorder (PMID: VCV000099932.5). Different missense changes at the same codon (p.Arg1789Gly, p.Arg1789Leu) have been reported to be associated with NIPBL related disorder (PMID: 15318302, 20583156). Therefore, this variant is classified as likely pathogenic according to the recommendation of ACMG/AMP guideline.

Genome-Nilou Lab
Classification: Likely pathogenic for Cornelia de Lange syndrome 1. Last evaluated: 2021-07-15. Review status: criteria provided, single submitter. Criteria: ACMG Guidelines, 2015. Collection method: clinical testing. Allele origin: germline. Affected: no.

Institute of Human Genetics, University of Leipzig Medical Center
Classification: Pathogenic for Cornelia de Lange syndrome 1. Last evaluated: 2020-10-09. Review status: criteria provided, single submitter. Criteria: ACMG Guidelines, 2015. Collection method: clinical testing. Allele origin: de novo. Affected: yes.
Comment: This variant was identified as de novo (maternity and paternity confirmed).

Labcorp Genetics (formerly Invitae), Labcorp
Classification: Uncertain significance for Cornelia de Lange syndrome 1. Last evaluated: 2017-08-24. Review status: criteria provided, single submitter. Criteria: Invitae Variant Classification Sherloc (09022015). Collection method: clinical testing. Allele origin: germline.
Comment: In summary, the available evidence is currently insufficient to determine the role of this variant in disease. Therefore, it has been classified as a Variant of Uncertain Significance. Algorithms developed to predict the effect of missense changes on protein structure and function do not agree on the potential impact of this missense change (SIFT: "Deleterious"; PolyPhen-2: "Probably Damaging"; Align-GVGD: "Class C0"). This variant has not been reported in the literature in individuals with NIPBL-related disease. ClinVar contains an entry for this variant (Variation ID: 99932). This variant is not present in population databases (ExAC no frequency). This sequence change replaces arginine with glutamine at codon 1789 of the NIPBL protein (p.Arg1789Gln). The arginine residue is moderately conserved and there is a small physicochemical difference between arginine and glutamine.

Genetic Services Laboratory, University of Chicago
Classification: Likely pathogenic for Cornelia de Lange syndrome 1. Last evaluated: 2013-02-08. Review status: criteria provided, single submitter. Criteria: ACMG Guidelines, 2007. Collection method: clinical testing. Allele origin: germline. Inheritance: Autosomal dominant inheritance. Affected: yes.

Clinical Genetics Laboratory, University Hospital Schleswig-Holstein
Classification: Pathogenic for Cornelia de Lange syndrome 1. Last evaluated: 2024-12-05. Review status: no assertion criteria provided. Criteria: ACMG Guidelines, 2015. Collection method: clinical testing. Allele origin: de novo. Affected: yes. Not counted in ClinVar's aggregate classification.

Literature cited by the submitters: PubMed 15318302 (cited by 3billion); PubMed 20583156 (cited by 3billion).

NM_133433.4(NIPBL):c.5366G>A (p.Arg1789Gln)

Gene: NIPBL (NIPBL cohesin loading factor; plus strand). Cytogenetic location: 5p13.2.
Variant type: single nucleotide variant.
Coding change: c.5366G>A on transcript NM_133433.4 (MANE Select); coding-DNA position 5366, G replaced by A.
Protein change: p.Arg1789Gln; replaces arginine 1789 with glutamine.
Molecular consequence: missense variant.
Genome position (GRCh38, 1-based): chr5:37,022,088, G>A. VCF-style: chr5-37022088-G-A. GRCh37 (hg19) VCF-style: chr5-37022190-G-A.
Other names: c.5366G>A, p.Arg1789Gln (NM_015384.5); short protein forms R1789Q.
Identifiers: ClinVar variation 99932 (VCV000099932.21), dbSNP rs80358380, ClinGen allele CA267541.